The following is an entry in ClinVar:

NM_000368.5(TSC1):c.2064C>T (p.Ile688=)

Gene: TSC1 (TSC complex subunit 1; minus strand). Cytogenetic location: 9q34.13.
Variant type: single nucleotide variant.
Coding change: c.2064C>T on transcript NM_000368.5 (MANE Select); coding-DNA position 2064, C replaced by T.
Protein change: p.Ile688=; no amino-acid change (isoleucine 688 retained).
Molecular consequence: synonymous variant.
Genome position (GRCh38, 1-based): chr9:132,903,795, G>A on the plus strand (C>T on the coding strand, the complement: TSC1 is on the minus strand). VCF-style: chr9-132903795-G-A. GRCh37 (hg19) VCF-style: chr9-135779182-G-A.
Other names: c.2061C>T, p.Ile687= (NM_001162426.2); c.1911C>T, p.Ile637= (NM_001162427.2); c.1701C>T, p.Ile567= (NM_001362177.2).
Identifiers: ClinVar variation 237707 (VCV000237707.22), dbSNP rs878853963, ClinGen allele CA10582625.

ClinVar aggregate classification (germline): Benign/Likely benign. Review status: criteria provided, multiple submitters, no conflicts (2 of 4 stars). 6 submissions from 6 submitters: Benign (1); Likely benign (5). Last evaluated 2025-11-23.

Conditions:
Hereditary cancer-predisposing syndrome. Also called: Tumor predisposition; Hereditary Cancer Syndrome; Hereditary neoplastic syndrome; Neoplastic Syndromes, Hereditary. Identifiers: Orphanet 140162, MedGen C0027672, MeSH D009386, MONDO:0015356.
Tuberous sclerosis 1 (TSC1). Identifiers: Orphanet 805, MedGen C1854465, MONDO:0008612, OMIM 191100.
Tuberous sclerosis syndrome (TSC). Also called: Tuberous Sclerosis Complex; Tuberous sclerosis. Identifiers: Orphanet 805, MedGen C0041341, MONDO:0001734.

Allele frequency attached by ClinVar (database versions not stated): TOPMed below 0.00001; gnomAD 0.00001; gnomAD exomes 0.00001.
gnomAD v4.1: 3 of 1,613,866 alleles (0.00019%); highest among the groups gnomAD compares: East Asian, 0.0067%; no homozygotes.

Submissions (6):

Labcorp Genetics (formerly Invitae), Labcorp
Classification: Likely benign for Tuberous sclerosis 1. Last evaluated: 2025-11-23. Review status: criteria provided, single submitter. Criteria: Invitae Variant Classification Sherloc (09022015). Collection method: clinical testing. Allele origin: germline.

Myriad Genetics, Inc.
Classification: Benign for Tuberous sclerosis 1. Last evaluated: 2025-04-24. Review status: criteria provided, single submitter. Criteria: Myriad Autosomal Dominant, Autosomal Recessive and X-Linked Classification Criteria (2023). Collection method: clinical testing. Allele origin: unknown.
Comment: This variant is considered benign. This variant is a silent/synonymous amino acid change and it is not expected to impact splicing.

All of Us Research Program, National Institutes of Health
Classification: Likely benign for Tuberous sclerosis syndrome. Last evaluated: 2023-12-18. Review status: criteria provided, single submitter. Criteria: ACMG Guidelines, 2015. Collection method: clinical testing. Allele origin: germline. Inheritance: Autosomal dominant inheritance. Observed: 2 variant alleles, 2 heterozygotes.
Comment: This study involves interpretation of variants in research participants for the purpose of population health screening. Participant phenotype was not available at the time of variant classification. Additional details can be found in publication PMID: 35346344, PMCID: PMC8962531

Genome-Nilou Lab
Classification: Likely benign for Tuberous sclerosis 1. Last evaluated: 2021-11-07. Review status: criteria provided, single submitter. Criteria: ACMG Guidelines, 2015. Collection method: clinical testing. Allele origin: germline. Affected: no.

GeneDx
Classification: Likely benign. Last evaluated: 2020-10-25. Review status: criteria provided, single submitter. Criteria: GeneDx Variant Classification Process June 2021. Collection method: clinical testing. Allele origin: germline. Affected: yes.

Ambry Genetics
Classification: Likely benign for Hereditary cancer-predisposing syndrome. Last evaluated: 2019-08-21. Review status: criteria provided, single submitter. Criteria: Ambry Variant Classification Scheme 2023. Collection method: clinical testing. Allele origin: germline.